The following is an entry in ClinVar:

ClinVar aggregate classification (germline): Pathogenic (1 of 4 stars; one submission).

Conditions:
Alexander disease (ALXDRD). Also called: Alexander's disease. Identifiers: Orphanet 58, MedGen C0270726, MONDO:0008752, OMIM 203450.

Submission:

Laboratory of Medical Genetics, National & Kapodistrian University of Athens
Classification: Pathogenic for Alexander disease. Last evaluated: 2018-02-27. Review status: criteria provided, single submitter. Criteria: ACMG Guidelines, 2015. Collection method: clinical testing. Allele origin: de novo. Affected: yes.
Comment: PS2, PM1,PM2,PP2,PP3

NM_002055.5(GFAP):c.242C>A (p.Ala81Asp)

Gene: GFAP (glial fibrillary acidic protein; minus strand). Cytogenetic location: 17q21.31.
Variant type: single nucleotide variant.
Coding change: c.242C>A on transcript NM_002055.5 (MANE Select); coding-DNA position 242, C replaced by A.
Protein change: p.Ala81Asp; replaces alanine 81 with aspartic acid.
Molecular consequence: missense variant.
Genome position (GRCh38, 1-based): chr17:44,915,245, G>T on the plus strand (C>A on the coding strand, the complement: GFAP is on the minus strand). VCF-style: chr17-44915245-G-T. GRCh37 (hg19) VCF-style: chr17-42992613-G-T.
Other names: c.242C>A, p.Ala81Asp (NM_001131019.3, NM_001242376.3, NM_001363846.2); short protein forms A81D.
Identifiers: ClinVar variation 637027 (VCV000637027.1), dbSNP rs1597864461, ClinGen allele CA399848662.